The following is an entry in ClinVar:

NM_005422.4(TECTA):c.5766A>G (p.Thr1922=)

Genes: TBCEL-TECTA (TBCEL-TECTA readthrough; plus strand), TECTA (tectorin alpha; plus strand). Cytogenetic location: 11q23.3.
Variant type: single nucleotide variant.
Coding change: c.5766A>G on transcript NM_005422.4 (MANE Select); coding-DNA position 5766, A replaced by G.
Protein change: p.Thr1922=; no amino-acid change (threonine 1922 retained).
Molecular consequence: synonymous variant.
Genome position (GRCh38, 1-based): chr11:121,168,692, A>G. VCF-style: chr11-121168692-A-G. GRCh37 (hg19) VCF-style: chr11-121039401-A-G.
Other names: c.6708A>G, p.Thr2236= (NM_001378761.1).
Identifiers: ClinVar variation 228001 (VCV000228001.19), dbSNP rs149602974, ClinGen allele CA6327823.

ClinVar aggregate classification (germline): Likely benign. Review status: criteria provided, multiple submitters, no conflicts (2 of 4 stars). 5 submissions from 5 submitters: Likely benign (5). Last evaluated 2026-02-01.

Allele frequency attached by ClinVar (database versions not stated): ExAC 0.00020; gnomAD exomes 0.00020 and 0.00053; TOPMed 0.00025; gnomAD 0.00026 and 0.00027; ESP Exome Variant Server 0.00031.
gnomAD v4.1: 805 of 1,614,054 alleles (0.05%); highest among the groups gnomAD compares: Non-Finnish European, 0.064%; no homozygotes.

Submissions (5):

CeGaT Center for Human Genetics Tuebingen
Classification: Likely benign. Last evaluated: 2026-02-01. Review status: criteria provided, single submitter. Criteria: CeGaT Center For Human Genetics Tuebingen Variant Classification Criteria Version 2. Collection method: clinical testing. Allele origin: germline. Affected: yes. Observed: 1 variant allele.
Comment: TECTA: BP4, BP7

Labcorp Genetics (formerly Invitae), Labcorp
Classification: Likely benign. Last evaluated: 2025-09-08. Review status: criteria provided, single submitter. Criteria: Invitae Variant Classification Sherloc (09022015). Collection method: clinical testing. Allele origin: germline.

Blueprint Genetics
Classification: Likely benign. Last evaluated: 2024-11-07. Review status: criteria provided, single submitter. Criteria: ACMG Guidelines, 2015. Collection method: clinical testing. Allele origin: germline.

GeneDx
Classification: Likely benign. Last evaluated: 2020-11-20. Review status: criteria provided, single submitter. Criteria: GeneDx Variant Classification Process June 2021. Collection method: clinical testing. Allele origin: germline. Affected: yes.

Laboratory for Molecular Medicine, Mass General Brigham Personalized Medicine
Classification: Likely benign. Last evaluated: 2015-08-05. Review status: criteria provided, single submitter. Criteria: LMM Criteria. Collection method: clinical testing. Allele origin: germline. Observed: 1 variant allele.
Comment: p.Thr1922Thr in exon 19 of TECTA: This variant is not expected to have clinical significance because it does not alter an amino acid residue, is not located wit hin the splice consensus sequence, and has been identified in 20/66734 European chromosomes by the Exome Aggregation Consortium (ExAC; dbSNP rs149602974).